The following is an entry in ClinVar:

NM_001077350.3(NPRL3):c.496G>C (p.Glu166Gln)

Genes: HBA-LCR (alpha-globin locus control region; plus strand), NPRL3 (NPR3 like, GATOR1 complex subunit; minus strand). Cytogenetic location: 16p13.3.
Variant type: single nucleotide variant.
Coding change: c.496G>C on transcript NM_001077350.3 (MANE Select); coding-DNA position 496, G replaced by C.
Protein change: p.Glu166Gln; replaces glutamic acid 166 with glutamine.
Molecular consequence: missense variant. On other transcripts: 5 prime UTR variant (1).
Genome position (GRCh38, 1-based): chr16:112,673, C>G on the plus strand (G>C on the coding strand, the complement: NPRL3 is on the minus strand). VCF-style: chr16-112673-C-G. GRCh37 (hg19) VCF-style: chr16-162672-C-G.
Other names: c.-42G>C (NM_001039476.3); c.262G>C, p.Glu88Gln (NM_001243247.2); c.421G>C, p.Glu141Gln (NM_001243248.2, NM_001243249.2); short protein forms E141Q, E166Q, E88Q.
Identifiers: ClinVar variation 2443683 (VCV002443683.1), dbSNP rs1596522300, ClinGen allele CA393993788.

ClinVar aggregate classification (germline): Uncertain significance (1 of 4 stars; one submission).

gnomAD v4.1: 3 of 1,608,312 alleles (0.00019%); highest among the groups gnomAD compares: Non-Finnish European, 0.00025%; no homozygotes.

Submission:

GeneDx
Classification: Uncertain significance. Last evaluated: 2022-09-13. Review status: criteria provided, single submitter. Criteria: GeneDx Variant Classification Process June 2021. Collection method: clinical testing. Allele origin: germline. Affected: yes.
Comment: Not observed at significant frequency in large population cohorts (gnomAD); In silico analysis supports that this missense variant does not alter protein structure/function; Has not been previously published as pathogenic or benign to our knowledge